The following is an entry in ClinVar:

ClinVar aggregate classification (germline): Uncertain significance (1 of 4 stars; one submission).

Submission:

Women's Health and Genetics/Laboratory Corporation of America, LabCorp
Classification: Uncertain significance. Last evaluated: 2020-11-25. Review status: criteria provided, single submitter. Criteria: LabCorp Variant Classification Summary - May 2015. Collection method: clinical testing. Allele origin: germline.
Comment: Variant summary: STK11 c.946G>T (p.Ala316Ser) results in a conservative amino acid change in the encoded protein sequence. Five of five in-silico tools predict a benign effect of the variant on protein function. The variant was absent in 194536 control chromosomes. The available data on variant occurrences in the general population are insufficient to allow any conclusion about variant significance. To our knowledge, no occurrence of c.946G>T in individuals affected with Peutz-Jeghers Syndrome and no experimental evidence demonstrating its impact on protein function have been reported. No clinical diagnostic laboratories have submitted clinical-significance assessments for this variant to ClinVar after 2014. Based on the evidence outlined above, the variant was classified as uncertain significance.

NM_000455.5(STK11):c.946G>T (p.Ala316Ser)

Gene: STK11 (serine/threonine kinase 11; plus strand). Cytogenetic location: 19p13.3.
Variant type: single nucleotide variant.
Coding change: c.946G>T on transcript NM_000455.5 (MANE Select); coding-DNA position 946, G replaced by T.
Protein change: p.Ala316Ser; replaces alanine 316 with serine.
Molecular consequence: missense variant.
Genome position (GRCh38, 1-based): chr19:1,223,010, G>T. VCF-style: chr19-1223010-G-T. GRCh37 (hg19) VCF-style: chr19-1223009-G-T.
Other names: short protein forms A316S.
Identifiers: ClinVar variation 987836 (VCV000987836.1), dbSNP rs864622303, ClinGen allele CA402951502.